The following continues an entry in ClinVar:

NM_021625.5(TRPV4):c.943C>T (p.Arg315Trp)

Gene: TRPV4. ClinVar aggregate classification (germline): Pathogenic/Likely pathogenic. Pathogenic (12); Likely pathogenic (2).

Submissions 6 to 21 of 21:

GeneDx
Classification: Pathogenic. Last evaluated: 2025-01-15. Review status: criteria provided, single submitter. Criteria: GeneDx Variant Classification Process June 2021. Collection method: clinical testing. Allele origin: germline. Affected: yes.
Comment: Published functional studies suggest significant disruption of TRPV4-RhoA interaction as well as suppressed interaction of wild-type TRPV4 with RhoA (PMID: 33664271); In silico analysis supports that this missense variant has a deleterious effect on protein structure/function; Not observed at significant frequency in large population cohorts (gnomAD); This variant is associated with the following publications: (PMID: 21115951, 21454511, 22702953, 31191204, 31041394, 24830047, 32579787, 34426522, 32481620, 35032046, 36118854, 20037588, 33664271, 35170874, 37706131)

Revvity Omics, Revvity
Classification: Pathogenic. Last evaluated: 2024-09-16. Review status: criteria provided, single submitter. Criteria: ACMG Guidelines, 2015. Collection method: clinical testing. Allele origin: germline.

Clinical Genetics Laboratory, Skane University Hospital Lund
Classification: Pathogenic. Last evaluated: 2023-10-17. Review status: criteria provided, single submitter. Criteria: ACMG Guidelines, 2015. Collection method: clinical testing. Allele origin: germline. Affected: yes.

Kariminejad - Najmabadi Pathology & Genetics Center
Classification: Likely pathogenic for Neuronopathy, distal hereditary motor, autosomal dominant 8; Scapuloperoneal spinal muscular atrophy. Last evaluated: 2023-09-21. Review status: criteria provided, single submitter. Criteria: ACMG Guidelines, 2015. Collection method: clinical testing. Allele origin: germline. Inheritance: Autosomal dominant inheritance. Affected: yes.
Comment: PM2- PM1- PP3- PP5

Ambry Genetics
Classification: Pathogenic for Inborn genetic diseases. Last evaluated: 2022-11-04. Review status: criteria provided, single submitter. Criteria: Ambry Variant Classification Scheme 2023. Collection method: clinical testing. Allele origin: germline.
Comment: The c.943C>T (p.R315W) alteration is located in exon 6 (coding exon 5) of the TRPV4 gene. This alteration results from a C to T substitution at nucleotide position 943, causing the arginine (R) at amino acid position 315 to be replaced by a tryptophan (W). This variant was not reported in population-based cohorts in the Genome Aggregation Database (gnomAD). This alteration has been detected as de novo in an individual with Kozslowski type spondylometaphyseal dysplasia and Charcot-Marie-Tooth disease type 2C (CMT2C) (Faye, 2019). It has also been found to segregate with TRPV4-related disorders such as congenital distal spinal muscular atrophy (CDSMA), scapuloperoneal spinal muscular atrophy (SPSMA), and hereditary motor and sensory neuropathy type IIc (HMSN2C) in multiple families (Chen, 2010; Auer-Grumbach, 2010). This alteration has been described in additional unrelated individuals with TRPV4-related disorders (Tunca, 2020; Velilla, 2019; Aharoni, 2011; Echaniz-Laguna, 2014). Based on the available evidence, this alteration is classified as pathogenic.

Suna and Inan Kirac Foundation Neurodegeneration Research Laboratory, Koc University
Classification: Likely pathogenic for Scapuloperoneal spinal muscular atrophy. Last evaluated: 2020-03-31. Review status: criteria provided, single submitter. Criteria: ACMG Guidelines, 2015. Collection method: research. Allele origin: germline. Affected: yes. Observed: 5 variant alleles.

Athena Diagnostics
Classification: Pathogenic for Charcot-Marie-Tooth disease type 2C. Last evaluated: 2013-06-24. Review status: criteria provided, single submitter. Criteria: Athena Diagnostics Criteria. Collection method: clinical testing. Allele origin: germline. Inheritance: Autosomal dominant inheritance.

Juno Genomics, Hangzhou Juno Genomics, Inc
Classification: Pathogenic for Avascular necrosis of femoral head, primary, 2; Sodium serum level quantitative trait locus 1; Brachyrachia (short spine dysplasia); Familial digital arthropathy-brachydactyly; Charcot-Marie-Tooth disease axonal type 2C; Metatropic dysplasia; Neuronopathy, distal hereditary motor, autosomal dominant 8; Parastremmatic dwarfism; Scapuloperoneal spinal muscular atrophy; Spondyloepimetaphyseal dysplasia, Maroteaux type; Spondylometaphyseal dysplasia, Kozlowski type. Review status: criteria provided, single submitter. Criteria: ACMG Guidelines, 2015. Collection method: clinical testing. Allele origin: germline.
Comment: Absent from controls (or at extremely low frequency if recessive) in Genome Aggregation Database.;Multiple lines of computational evidence support a deleterious effect on the gene or gene product.;Missense variant in a gene that has a low rate of benign missense variation.;The prevalence of the variant in affected individuals is significantly increased compared to the prevalence in controls.;Co-segregation with disease in multiple affected family members.;Assumed de novo, but without confirmation of paternity and maternity.;Patient's phenotype or family history is highly specific for a disease with a single genetic etiology.

Rady Children's Institute for Genomic Medicine, Rady Children's Hospital San Diego
Classification: Pathogenic for TRPV4-associated disorders. Review status: criteria provided, single submitter. Criteria: ACMG Guidelines, 2015. Collection method: clinical testing. Allele origin: germline. Affected: yes.
Comment: This variant has been previously reported as a heterozygous change in families with hereditary motor and sensory neuropathy type 2C, scapuloperoneal spinal muscular atrophy, Charcot-Marie-Tooth Type 2C (CMT2C) with vocal cord paresis and congenital distal SMA (PMID: 20037588, 21115951, 20460441, 22065612). Functional studies show that this variant alters the localization of the TRPV4 protein to the cell surface and increases the basal calcium levels leading to increased cell death (PMID: 20037588, 22702953, 21454511). The c.943C>T (p.Arg315Trp) variant is absent from the gnomAD population database and thus is presumed to be rare. It affects a highly conserved amino acid and is predicted by multiple in silico tools to have a deleterious effect on protein function. Analysis of the parental samples was negative for the variant, indicating this variant likely occurred as a de novo event. Based on the available evidence, the c.943C>T (p.Arg315Trp) variant is classified as Pathogenic.

OMIM
Classification: Pathogenic for NEURONOPATHY, DISTAL HEREDITARY MOTOR, AUTOSOMAL DOMINANT 8. Last evaluated: 2011-12-01. Review status: no assertion criteria provided. Collection method: literature only. Allele origin: germline. Not counted in ClinVar's aggregate classification.

OMIM
Classification: Pathogenic for SCAPULOPERONEAL SPINAL MUSCULAR ATROPHY. Last evaluated: 2011-12-01. Review status: no assertion criteria provided. Collection method: literature only. Allele origin: germline. Not counted in ClinVar's aggregate classification.

OMIM
Classification: Pathogenic for HEREDITARY MOTOR AND SENSORY NEUROPATHY, TYPE IIC. Last evaluated: 2011-12-01. Review status: no assertion criteria provided. Collection method: literature only. Allele origin: germline. Not counted in ClinVar's aggregate classification.

GeneReviews
No classification provided. Condition: Neuromuscular disease. Review status: no classification provided. Collection method: literature only. Allele origin: germline. Affected: yes. Not counted in ClinVar's aggregate classification.

Inherited Neuropathy Consortium
Classification: Uncertain significance for Autosomal dominant distal hereditary motor neuropathy. Review status: no assertion criteria provided. Collection method: literature only. Allele origin: germline. Affected: yes. Not counted in ClinVar's aggregate classification.

Joint Genome Diagnostic Labs from Nijmegen and Maastricht, Radboudumc and MUMC+
Classification: Pathogenic. Review status: no assertion criteria provided. Collection method: clinical testing. Allele origin: germline. Affected: yes. Study: VKGL Data-share Consensus. Not counted in ClinVar's aggregate classification.

Laboratory of Diagnostic Genome Analysis, Leiden University Medical Center (LUMC)
Classification: Likely pathogenic. Review status: no assertion criteria provided. Collection method: clinical testing. Allele origin: germline. Affected: yes. Study: VKGL Data-share Consensus. Not counted in ClinVar's aggregate classification.

Literature cited by the submitters: PubMed 20037588 (cited by 8 submitters); PubMed 20460441 (cited by 3 submitters); PubMed 21115951 (cited by 6 submitters); PubMed 21454511 (cited by 5 submitters); PubMed 22065612 (cited by 5 submitters); PubMed 22419508 (cited by Rady Children's Institute for Genomic Medicine, Rady Children's Hospital San Diego); PubMed 22702953 (cited by 3 submitters); PubMed 24830047 (cited by Rady Children's Institute for Genomic Medicine, Rady Children's Hospital San Diego); PubMed 25256292 (cited by 3billion); PubMed 24789864 (cited by 3billion and Ambry Genetics); PubMed 31589614 (cited by 3billion); PubMed 31041394 (cited by Ambry Genetics); PubMed 31191204 (cited by Ambry Genetics); PubMed 32579787 (cited by Ambry Genetics); PubMed 15668982 (cited by Athena Diagnostics and OMIM); PubMed 8179305 (cited by OMIM); NCBI Bookshelf NBK201366 (cited by GeneReviews).